The following is an entry in ClinVar:

NM_032237.5(POMK):c.886A>G (p.Ile296Val)

Gene: POMK (protein O-mannose kinase; plus strand). Cytogenetic location: 8p11.21.
Variant type: single nucleotide variant.
Coding change: c.886A>G on transcript NM_032237.5 (MANE Select); coding-DNA position 886, A replaced by G.
Protein change: p.Ile296Val; replaces isoleucine 296 with valine.
Molecular consequence: missense variant.
Genome position (GRCh38, 1-based): chr8:43,122,710, A>G. VCF-style: chr8-43122710-A-G. GRCh37 (hg19) VCF-style: chr8-42977853-A-G.
Other names: c.886A>G, p.Ile296Val (NM_001277971.2); short protein forms I296V.
Identifiers: ClinVar variation 389688 (VCV000389688.53), dbSNP rs6990761, ClinGen allele CA4736371.

ClinVar aggregate classification (germline): Likely benign. Review status: criteria provided, multiple submitters, no conflicts (2 of 4 stars). 4 submissions from 4 submitters: Likely benign (3). 1 of the submissions does not count toward it. Last evaluated 2026-01-26.

Conditions:
Muscular dystrophy-dystroglycanopathy (congenital with brain and eye anomalies), type a, 12 (MDDGA12). Also called: WALKER-WARBURG SYNDROME OR MUSCLE-EYE-BRAIN DISEASE, POMK-RELATED. Identifiers: Orphanet 899, MedGen C3808964, MONDO:0014101, OMIM 615249.
Limb-girdle muscular dystrophy due to POMK deficiency. Also called: Muscular dystrophy-dystroglycanopathy (limb-girdle), type c, 12; MUSCULAR DYSTROPHY-DYSTROGLYCANOPATHY, LIMB-GIRDLE, POMK-RELATED. Identifiers: Orphanet 445110, MedGen C4015184, MONDO:0014489, OMIM 616094.
POMK-related disorder. Also called: POMK-related condition.

Allele frequency attached by ClinVar (database versions not stated): gnomAD exomes 0.00012 and 0.00031; ExAC 0.00040; 1000 Genomes Project 30x 0.00062; 1000 Genomes Project 0.00080; gnomAD 0.00105 and 0.00111; TOPMed 0.00126; ESP Exome Variant Server 0.00192.

Submissions (4):

Labcorp Genetics (formerly Invitae), Labcorp
Classification: Likely benign for Muscular dystrophy-dystroglycanopathy (congenital with brain and eye anomalies), type a, 12; Limb-girdle muscular dystrophy due to POMK deficiency. Last evaluated: 2026-01-26. Review status: criteria provided, single submitter. Criteria: Invitae Variant Classification Sherloc (09022015). Collection method: clinical testing. Allele origin: germline.

GeneDx
Classification: Likely benign. Last evaluated: 2021-07-12. Review status: criteria provided, single submitter. Criteria: GeneDx Variant Classification Process June 2021. Collection method: clinical testing. Allele origin: germline. Affected: yes.

Breakthrough Genomics
Classification: Likely benign. Review status: criteria provided, single submitter. Criteria: ACMG Guidelines, 2015. Collection method: not provided. Allele origin: germline. Inheritance: Autosomal recessive inheritance. Affected: yes.

PreventionGenetics, part of Exact Sciences
Classification: Likely benign for POMK-related condition. Last evaluated: 2022-01-25. Review status: no assertion criteria provided. Collection method: clinical testing. Allele origin: germline. Not counted in ClinVar's aggregate classification.
Comment: This variant is classified as likely benign based on ACMG/AMP sequence variant interpretation guidelines (Richards et al. 2015 PMID: 25741868, with internal and published modifications).